The following is an entry in ClinVar:

ClinVar aggregate classification (germline): Conflicting classifications of pathogenicity. Review status: criteria provided, conflicting classifications (1 of 4 stars). 12 submissions from 12 submitters: Uncertain significance (10); Likely benign (1). 1 of the submissions does not count toward it. Last evaluated 2026-07-22.

Conditions:
ATM-related disorder. Also called: ATM-related disorders; ATM-related condition.
Hereditary cancer. Identifiers: MedGen C1333600.
Hereditary cancer-predisposing syndrome. Also called: Hereditary Cancer Syndrome; Tumor predisposition; Neoplastic Syndromes, Hereditary; Hereditary neoplastic syndrome. Identifiers: Orphanet 140162, MedGen C0027672, MeSH D009386, MONDO:0015356.
Familial cancer of breast. Also called: hereditary breast carcinoma; BREAST CANCER, FAMILIAL; Hereditary breast cancer. Identifiers: Orphanet 227535, MedGen C0346153, MONDO:0016419, OMIM 114480. Disease mechanism: loss of function.
Ataxia-telangiectasia syndrome (AT). Also called: ATAXIA-TELANGIECTASIA, COMPLEMENTATION GROUP A; ATAXIA-TELANGIECTASIA, FRESNO VARIANT; Ataxia-telangiectasia; Ataxia-telangiectasia, complementation group E; Cerebello-oculocutaneous telangiectasia; Immunodeficiency with ataxia telangiectasia. Identifiers: Orphanet 100, MedGen C0004135, MONDO:0008840, OMIM 208900.

Allele frequency attached by ClinVar (database versions not stated): gnomAD exomes 0.00001 and 0.00002; gnomAD 0.00001; TOPMed 0.00002; ExAC 0.00003.
gnomAD v4.1: 20 of 1,611,532 alleles (0.0012%); highest among the groups gnomAD compares: East Asian, 0.0045%; no homozygotes.

Submissions (12):

PreventionGenetics, part of Exact Sciences
Classification: Uncertain significance for ATM-related condition. Last evaluated: 2026-07-22. Review status: criteria provided, single submitter. Criteria: ACMG Guidelines, 2015. Collection method: clinical testing. Allele origin: germline.
Comment: The ATM c.7522G>A variant is predicted to result in the amino acid substitution p.Gly2508Arg. This variant has been identified in an individual undergoing Lynch syndrome testing (Table S2, Yurgelun et al. 2015. PubMed ID: 25980754), an individual with glioblastoma multiforme (Table S12, Lu et al. 2015. PubMed ID: 26689913), and an individual with prostate cancer (Table S4, Karlsson et al. 2021. PubMed ID: 33436325). It has also been reported in an individual with a hematological non-neoplastic disorder (Table S6, Lampson et al. 2023. PubMed ID: 36315919) and in an individual with no personal or family history of cancer (Table S2, Okawa et al. 2023. PubMed ID: 36243179). This variant is reported in 0.010% of alleles in individuals of East Asian descent in gnomAD and has conflicting interpretations in ClinVar, ranging from uncertain significance to likely benign (Variation ID: 187265). At this time, the clinical significance of this variant is uncertain due to the absence of conclusive functional and genetic evidence.

Labcorp Genetics (formerly Invitae), Labcorp
Classification: Uncertain significance for Ataxia-telangiectasia syndrome. Last evaluated: 2026-02-01. Review status: criteria provided, single submitter. Criteria: Invitae Variant Classification Sherloc (09022015). Collection method: clinical testing. Allele origin: germline.
Comment: This sequence change replaces glycine, which is neutral and non-polar, with arginine, which is basic and polar, at codon 2508 of the ATM protein (p.Gly2508Arg). This variant is present in population databases (rs754395517, gnomAD 0.008%). This missense change has been observed in individual(s) with ATM-related conditions (PMID: 25980754, 33436325, 34271781). ClinVar contains an entry for this variant (Variation ID: 187265). Invitae Evidence Modeling of protein sequence and biophysical properties (such as structural, functional, and spatial information, amino acid conservation, physicochemical variation, residue mobility, and thermodynamic stability) has been performed for this missense variant. However, the output from this modeling did not meet the statistical confidence thresholds required to predict the impact of this variant on ATM protein function. In summary, the available evidence is currently insufficient to determine the role of this variant in disease. Therefore, it has been classified as a Variant of Uncertain Significance.

Ambry Genetics
Classification: Uncertain significance for Hereditary cancer-predisposing syndrome. Last evaluated: 2025-08-27. Review status: criteria provided, single submitter. Criteria: Ambry Variant Classification Scheme 2023. Collection method: clinical testing. Allele origin: germline.
Comment: The p.G2508R variant (also known as c.7522G>A), located in coding exon 50 of the ATM gene, results from a G to A substitution at nucleotide position 7522. The glycine at codon 2508 is replaced by arginine, an amino acid with dissimilar properties. This variant was reported in 1/5560 prostate cancer cases and in 0/3353 controls of European ancestry (Karlsson Q et al. Eur Urol Oncol, 2021 08;4:570-579). This alteration was also identified in an individual diagnosed with colorectal cancer (Duzkale N et al. J Coll Physicians Surg Pak, 2021 Jul;31:811-816). This amino acid position is not well conserved in available vertebrate species. In addition, the in silico prediction for this alteration is inconclusive. Based on the available evidence, the clinical significance of this variant remains unclear.

Women's Health and Genetics/Laboratory Corporation of America, LabCorp
Classification: Uncertain significance. Last evaluated: 2024-10-28. Review status: criteria provided, single submitter. Criteria: LabCorp Variant Classification Summary - May 2015. Collection method: clinical testing. Allele origin: germline.
Comment: Variant summary: ATM c.7522G>A (p.Gly2508Arg) results in a non-conservative amino acid change in PIK-related kinase domain (IPR014009) of the encoded protein sequence. Three of five in-silico tools predict a damaging effect of the variant on protein function. The variant allele was found at a frequency of 2e-05 in 250694 control chromosomes. The available data on variant occurrences in the general population are insufficient to allow any conclusion about variant significance. c.7522G>A has been reported in the literature in individuals affected with Breast Cancer but also in the control cohorts (example, Okawa_2023, Karlsson_2021, Dorling_2021). These report(s) do not provide unequivocal conclusions about association of the variant with Breast Cancer. To our knowledge, no experimental evidence demonstrating an impact on protein function has been reported. The following publications have been ascertained in the context of this evaluation (PMID: 33436325, 36243179, 33471991). ClinVar contains an entry for this variant (Variation ID: 187265). Based on the evidence outlined above, the variant was classified as uncertain significance.

Mendelics
Classification: Uncertain significance for Hereditary cancer. Last evaluated: 2024-08-12. Review status: criteria provided, single submitter. Criteria: ACMG Guidelines, 2015. Collection method: clinical testing. Allele origin: unknown.

Color Diagnostics, LLC DBA Color Health
Classification: Uncertain significance for Hereditary cancer-predisposing syndrome. Last evaluated: 2024-05-31. Review status: criteria provided, single submitter. Criteria: ACMG Guidelines, 2015. Collection method: clinical testing. Allele origin: germline.
Comment: This missense variant replaces glycine with arginine at codon 2508 of the ATM protein. Computational prediction suggests that this variant may not impact protein structure and function. To our knowledge, functional studies have not been reported for this variant. This variant has been reported in an individual affected with Lynch syndrome-associated cancer and/or polyps (PMID: 25980754), an individual affected with prostate cancer (PMID: 33436325), and an individual affected with colorectal cancer (PMID: 34271781). In a large international case-control meta-analysis, this variant was reported in 11/60466 breast cancer cases and 4/53461 unaffected controls (PMID: 33471991). This variant has also been identified in 6/281930 chromosomes in the general population by the Genome Aggregation Database (gnomAD). The available evidence is insufficient to determine the role of this variant in disease conclusively. Therefore, this variant is classified as a Variant of Uncertain Significance.

Baylor Genetics
Classification: Uncertain significance for Familial cancer of breast. Last evaluated: 2024-01-26. Review status: criteria provided, single submitter. Criteria: ACMG Guidelines, 2015. Collection method: clinical testing. Allele origin: unknown.

Blueprint Genetics
Classification: Uncertain significance. Last evaluated: 2024-01-04. Review status: criteria provided, single submitter. Criteria: ACMG Guidelines, 2015. Collection method: clinical testing. Allele origin: germline.

GeneDx
Classification: Uncertain significance. Last evaluated: 2023-05-03. Review status: criteria provided, single submitter. Criteria: GeneDx Variant Classification Process June 2021. Collection method: clinical testing. Allele origin: germline. Affected: yes.
Comment: Not observed at significant frequency in large population cohorts (gnomAD); In silico analysis supports that this missense variant does not alter protein structure/function; Identified in individuals with prostate, colorectal, or other cancers (Lu et al., 2015; Yurgelun et al., 2015; Duzkale et al., 2021; Karlsson et al., 2021); This variant is associated with the following publications: (PMID: 25980754, 26689913, 26757417, 34271781, 23532176, 33436325)

CeGaT Center for Human Genetics Tuebingen
Classification: Likely benign. Last evaluated: 2023-01-01. Review status: criteria provided, single submitter. Criteria: CeGaT Center For Human Genetics Tuebingen Variant Classification Criteria Version 2. Collection method: clinical testing. Allele origin: germline. Affected: yes. Observed: 1 variant allele.
Comment: ATM: BP4

Department of Pathology and Laboratory Medicine, Sinai Health System
Classification: Uncertain significance for Familial cancer of breast. Last evaluated: 2019-10-15. Review status: criteria provided, single submitter. Criteria: ACMG Guidelines, 2015. Collection method: clinical testing. Allele origin: germline. Affected: yes.

Natera, Inc.
Classification: Uncertain significance for Ataxia-telangiectasia. Last evaluated: 2020-01-21. Review status: no assertion criteria provided. Collection method: clinical testing. Allele origin: germline. Not counted in ClinVar's aggregate classification.

Literature cited by the submitters: PubMed 25980754 (cited by 3 submitters); PubMed 33436325 (cited by 4 submitters); PubMed 34271781 (cited by 3 submitters); PubMed 33471991 (cited by Women's Health and Genetics/Laboratory Corporation of America, LabCorp and Color Diagnostics, LLC DBA Color Health); PubMed 36243179 (cited by Women's Health and Genetics/Laboratory Corporation of America, LabCorp).

NM_000051.4(ATM):c.7522G>A (p.Gly2508Arg)

Genes: ATM (ATM serine/threonine kinase; plus strand), C11orf65 (chromosome 11 open reading frame 65; minus strand). Cytogenetic location: 11q22.3.
Variant type: single nucleotide variant.
Coding change: c.7522G>A on transcript NM_000051.4 (MANE Select); coding-DNA position 7522, G replaced by A.
Protein change: p.Gly2508Arg; replaces glycine 2508 with arginine.
Molecular consequence: missense variant. On other transcripts: non-coding transcript variant (1), intron variant (2).
Genome position (GRCh38, 1-based): chr11:108,331,450, G>A. VCF-style: chr11-108331450-G-A. GRCh37 (hg19) VCF-style: chr11-108202177-G-A.
Other names: c.7522G>A, p.Gly2508Arg (NM_001351834.2); c.641-22379C>T (NM_001330368.2); c.*38+3770C>T (NM_001351110.2); short protein forms G2508R.
Identifiers: ClinVar variation 187265 (VCV000187265.61), dbSNP rs754395517, ClinGen allele CA197186.
Genomic context (GRCh38, chr11:108,331,450, plus strand): 5'-GAGAATATTTGAAATACCTTGTTTCTTAATTTTGTGTCTTTTTTTTAATGGTAGAGAGAC[G>A]GAATGAAGATTCCAACATATAAATTTTTGCCTCTTATGTACCAATTGGCTGCTAGAATGG-3'
Protein context (NP_000042.3, residues 2498-2518): SEVNGMMKRD[Gly2508Arg]MKIPTYKFLP